The following is an entry in ClinVar:

NM_032634.4(PIGO):c.2522C>T (p.Thr841Ile)

Gene: PIGO (phosphatidylinositol glycan anchor biosynthesis class O; minus strand). Cytogenetic location: 9p13.3.
Variant type: single nucleotide variant.
Coding change: c.2522C>T on transcript NM_032634.4 (MANE Select); coding-DNA position 2522, C replaced by T.
Protein change: p.Thr841Ile; replaces threonine 841 with isoleucine.
Molecular consequence: missense variant. On other transcripts: intron variant (2).
Genome position (GRCh38, 1-based): chr9:35,091,365, G>A on the plus strand (C>T on the coding strand, the complement: PIGO is on the minus strand). VCF-style: chr9-35091365-G-A. GRCh37 (hg19) VCF-style: chr9-35091362-G-A.
Other names: c.1345-74C>T (NM_152850.4, NM_001201484.2); c.2522C>T (NM_032634.3); short protein forms T841I.
Identifiers: ClinVar variation 597375 (VCV000597375.11), dbSNP rs371089504, ClinGen allele CA5040399.
Genomic context (GRCh38, chr9:35,091,365, plus strand): 5'-AGCAGGAACACAAGGCTGATGCGCTCCGCATGCAACAGCAGAAGTGGGAAGGCCAACAGG[G>A]TGAGGGCTGTGACCATAGCAGCTGAGTAGACACTCCCCAACTGATAAGCAGCCACAGTCA-3'
Protein context (NP_116023.2, residues 831-851): VYSAAMVTAL[Thr841Ile]LLAFPLLLLH

ClinVar aggregate classification (germline): Uncertain significance. Review status: criteria provided, multiple submitters, no conflicts (2 of 4 stars). 3 submissions from 3 submitters: Uncertain significance (3). Last evaluated 2024-02-28.

Conditions:
Inborn genetic diseases. Identifiers: MedGen C0950123, MeSH D030342.
Hyperphosphatasia with impaired intellectual development syndrome 2. Also called: Hyperphosphatasia with intellectual disability syndrome 2; GLYCOSYLPHOSPHATIDYLINOSITOL BIOSYNTHESIS DEFECT 6. Identifiers: Orphanet 247262, MedGen C3553637, MONDO:0013882, OMIM 614749.

Allele frequency attached by ClinVar (database versions not stated): 1000 Genomes Project 30x 0.00031; ExAC 0.00003; ESP Exome Variant Server 0.00015; TOPMed 0.00004; gnomAD exomes below 0.00001 and 0.00002; gnomAD 0.00004; 1000 Genomes Project 0.00020.
gnomAD v4.1: 9 of 1,614,218 alleles (0.00056%); highest among the groups gnomAD compares: African/African-American, 0.012%; no homozygotes.

Submissions (3):

Ambry Genetics
Classification: Uncertain significance for Inborn genetic diseases. Last evaluated: 2024-02-28. Review status: criteria provided, single submitter. Criteria: Ambry Variant Classification Scheme 2023. Collection method: clinical testing. Allele origin: germline.

Labcorp Genetics (formerly Invitae), Labcorp
Classification: Uncertain significance for Hyperphosphatasia with impaired intellectual development syndrome 2. Last evaluated: 2024-02-23. Review status: criteria provided, single submitter. Criteria: Invitae Variant Classification Sherloc (09022015). Collection method: clinical testing. Allele origin: germline.
Comment: This sequence change replaces threonine, which is neutral and polar, with isoleucine, which is neutral and non-polar, at codon 841 of the PIGO protein (p.Thr841Ile). This variant is present in population databases (rs371089504, gnomAD 0.03%). This variant has not been reported in the literature in individuals affected with PIGO-related conditions. ClinVar contains an entry for this variant (Variation ID: 597375). Algorithms developed to predict the effect of missense changes on protein structure and function output the following: SIFT: "Not Available"; PolyPhen-2: "Benign"; Align-GVGD: "Not Available". The isoleucine amino acid residue is found in multiple mammalian species, which suggests that this missense change does not adversely affect protein function. In summary, the available evidence is currently insufficient to determine the role of this variant in disease. Therefore, it has been classified as a Variant of Uncertain Significance.

Eurofins Ntd Llc (ga)
Classification: Uncertain significance. Last evaluated: 2018-05-29. Review status: criteria provided, single submitter. Criteria: EGL ClinVar v180209 classification definitions. Collection method: clinical testing. Allele origin: germline. Observed: 1 variant allele, 1 heterozygote.